The following is an entry in ClinVar:

NM_001177316.2(SLC34A3):c.845C>T (p.Pro282Leu)

Gene: SLC34A3 (solute carrier family 34 member 3; plus strand). Cytogenetic location: 9q34.3.
Variant type: single nucleotide variant.
Coding change: c.845C>T on transcript NM_001177316.2 (MANE Select); coding-DNA position 845, C replaced by T.
Protein change: p.Pro282Leu; replaces proline 282 with leucine.
Molecular consequence: missense variant.
Genome position (GRCh38, 1-based): chr9:137,233,721, C>T. VCF-style: chr9-137233721-C-T. GRCh37 (hg19) VCF-style: chr9-140128173-C-T.
Other names: c.845C>T (NM_080877.2); c.845C>T, p.Pro282Leu (NM_001177317.2, NM_080877.3); short protein forms P282L.
Identifiers: ClinVar variation 1520527 (VCV001520527.8), dbSNP rs150363315, ClinGen allele CA5364614.

ClinVar aggregate classification (germline): Uncertain significance. Review status: criteria provided, multiple submitters, no conflicts (2 of 4 stars). 4 submissions from 4 submitters: Uncertain significance (4). Last evaluated 2025-08-20.

Conditions:
Inborn genetic diseases. Identifiers: MedGen C0950123, MeSH D030342.
Autosomal recessive hypophosphatemic bone disease (HHRH). Also called: Hypophosphatemic rickets with hypercalciuria; HYPERCALCIURIC RICKETS. Identifiers: Orphanet 157215, MedGen C1853271, MONDO:0009431, OMIM 241530.

Allele frequency attached by ClinVar (database versions not stated): ExAC 0.00001; gnomAD exomes 0.00001 and 0.00003; TOPMed 0.00004; gnomAD 0.00006 and 0.00007; ESP Exome Variant Server 0.00015.
gnomAD v4.1: 52 of 1,612,218 alleles (0.0032%); highest among the groups gnomAD compares: African/African-American, 0.016%; no homozygotes.

Submissions (4):

Ambry Genetics
Classification: Uncertain significance for Inborn genetic diseases. Last evaluated: 2025-08-20. Review status: criteria provided, single submitter. Criteria: Ambry Variant Classification Scheme 2023. Collection method: clinical testing. Allele origin: germline.

Women's Health and Genetics/Laboratory Corporation of America, LabCorp
Classification: Uncertain significance. Last evaluated: 2025-06-04. Review status: criteria provided, single submitter. Criteria: LabCorp Variant Classification Summary - May 2015. Collection method: clinical testing. Allele origin: germline.
Comment: Variant summary: SLC34A3 c.845C>T (p.Pro282Leu) results in a non-conservative amino acid change in the encoded protein sequence. Algorithms developed to predict the effect of missense changes on protein structure and function are either unavailable or do not agree on the potential impact of this missense change. Several computational tools predict a significant impact on normal splicing: Three predict the variant weakens a 5' donor site. One predict the variant no significant impact on splicing. However, these predictions have yet to be confirmed by functional studies. The variant allele was found at a frequency of 1.2e-05 in 249142 control chromosomes. The available data on variant occurrences in the general population are insufficient to allow any conclusion about variant significance. To our knowledge, no occurrence of c.845C>T in individuals affected with Hereditary Hypophosphatemic Rickets With Hypercalciuria and no experimental evidence demonstrating its impact on protein function have been reported. ClinVar contains an entry for this variant (Variation ID: 1520527). Based on the evidence outlined above, the variant was classified as uncertain significance.

Fulgent Genetics
Classification: Uncertain significance for Autosomal recessive hypophosphatemic bone disease. Last evaluated: 2024-05-30. Review status: criteria provided, single submitter. Criteria: ACMG Guidelines, 2015. Collection method: clinical testing. Allele origin: germline.

Labcorp Genetics (formerly Invitae), Labcorp
Classification: Uncertain significance. Last evaluated: 2022-08-08. Review status: criteria provided, single submitter. Criteria: Invitae Variant Classification Sherloc (09022015). Collection method: clinical testing. Allele origin: germline.
Comment: This sequence change replaces proline, which is neutral and non-polar, with leucine, which is neutral and non-polar, at codon 282 of the SLC34A3 protein (p.Pro282Leu). This variant is present in population databases (rs150363315, gnomAD 0.004%). This variant has not been reported in the literature in individuals affected with SLC34A3-related conditions. ClinVar contains an entry for this variant (Variation ID: 1520527). Algorithms developed to predict the effect of missense changes on protein structure and function output the following: SIFT: "Tolerated"; PolyPhen-2: "Benign"; Align-GVGD: "Class C0". The leucine amino acid residue is found in multiple mammalian species, which suggests that this missense change does not adversely affect protein function. In summary, the available evidence is currently insufficient to determine the role of this variant in disease. Therefore, it has been classified as a Variant of Uncertain Significance.